The following is an entry in ClinVar:

ClinVar aggregate classification (germline): Uncertain significance (1 of 4 stars; one submission).

Allele frequency attached by ClinVar (database versions not stated): gnomAD exomes below 0.00001; TOPMed 0.00001.
gnomAD v4.1: 1 of 1,614,174 alleles (0.000062%); highest among the groups gnomAD compares: Non-Finnish European, 0.000085%; no homozygotes.

Submission:

Labcorp Genetics (formerly Invitae), Labcorp
Classification: Uncertain significance. Last evaluated: 2022-10-17. Review status: criteria provided, single submitter. Criteria: Invitae Variant Classification Sherloc (09022015). Collection method: clinical testing. Allele origin: germline.
Comment: In summary, the available evidence is currently insufficient to determine the role of this variant in disease. Therefore, it has been classified as a Variant of Uncertain Significance. Advanced modeling of protein sequence and biophysical properties (such as structural, functional, and spatial information, amino acid conservation, physicochemical variation, residue mobility, and thermodynamic stability) performed at Invitae indicates that this missense variant is not expected to disrupt TUBGCP4 protein function. ClinVar contains an entry for this variant (Variation ID: 1388231). This variant has not been reported in the literature in individuals affected with TUBGCP4-related conditions. This variant is not present in population databases (gnomAD no frequency). This sequence change replaces lysine, which is basic and polar, with arginine, which is basic and polar, at codon 628 of the TUBGCP4 protein (p.Lys628Arg).

NM_014444.5(TUBGCP4):c.1880A>G (p.Lys627Arg)

Genes: TUBGCP4 (tubulin gamma complex component 4; plus strand), TP53BP1 (tumor protein p53 binding protein 1; minus strand). Cytogenetic location: 15q15.3.
Variant type: single nucleotide variant.
Coding change: c.1880A>G on transcript NM_014444.5 (MANE Select); coding-DNA position 1880, A replaced by G.
Protein change: p.Lys627Arg; replaces lysine 627 with arginine.
Molecular consequence: missense variant. On other transcripts: 3 prime UTR variant (5).
Genome position (GRCh38, 1-based): chr15:43,404,444, A>G. VCF-style: chr15-43404444-A-G. GRCh37 (hg19) VCF-style: chr15-43696642-A-G.
Other names: c.1883A>G, p.Lys628Arg (NM_001286414.3); c.*2939T>C (NM_001141979.3, NM_001141980.3, NM_001355001.2 and 2 more transcripts); short protein forms K627R, K628R.
Identifiers: ClinVar variation 1388231 (VCV001388231.6), dbSNP rs1206587009, ClinGen allele CA392140912.
Genomic context (GRCh38, chr15:43,404,444, plus strand): 5'-GAATGACAGCTGAGTCCTTCTCTCTGCAGGGCTTTAGCCGCCAGTCTTCACTCCTGTTCA[A>G]GATTCTCTCCAGTGTTCGGAATCATCAGATCAACTCAGATTTGGCTCAACTACTGTTACG-3'
Protein context (NP_055259.2, residues 617-637): GFSRQSSLLF[Lys627Arg]ILSSVRNHQI